The following is an entry in ClinVar:

ClinVar aggregate classification (germline): Uncertain significance (1 of 4 stars; one submission).

Conditions:
Myofibrillar myopathy 5. Also called: Filaminopathy (type); FILAMINOPATHY, AUTOSOMAL DOMINANT. Identifiers: Orphanet 171445, MedGen C1836050, MONDO:0012289, OMIM 609524.
Distal myopathy with posterior leg and anterior hand involvement. Also called: WILLIAMS DISTAL MYOPATHY. Identifiers: Orphanet 63273, MedGen C3279722, MONDO:0013550, OMIM 614065.
Hypertrophic cardiomyopathy 26. Also called: Cardiomyopathy, familial hypertrophic, 26. Identifiers: Orphanet 75249, MedGen C4310749, MONDO:0014883, OMIM 617047.

Submission:

Labcorp Genetics (formerly Invitae), Labcorp
Classification: Uncertain significance for Distal myopathy with posterior leg and anterior hand involvement; Myofibrillar myopathy 5; Hypertrophic cardiomyopathy 26. Last evaluated: 2019-03-23. Review status: criteria provided, single submitter. Criteria: Invitae Variant Classification Sherloc (09022015). Collection method: clinical testing. Allele origin: germline.
Comment: In summary, the available evidence is currently insufficient to determine the role of this variant in disease. Therefore, it has been classified as a Variant of Uncertain Significance. Algorithms developed to predict the effect of missense changes on protein structure and function (SIFT, PolyPhen-2, Align-GVGD) all suggest that this variant is likely to be disruptive, but these predictions have not been confirmed by published functional studies and their clinical significance is uncertain. This variant has not been reported in the literature in individuals with FLNC-related conditions. This variant is not present in population databases (ExAC no frequency). This sequence change replaces proline with threonine at codon 1849 of the FLNC protein (p.Pro1849Thr). The proline residue is highly conserved and there is a small physicochemical difference between proline and threonine.

NM_001458.5(FLNC):c.5545C>A (p.Pro1849Thr)

Genes: FLNC-AS1 (FLNC antisense RNA 1; minus strand), FLNC (filamin C; plus strand). Cytogenetic location: 7q32.1.
Variant type: single nucleotide variant.
Coding change: c.5545C>A on transcript NM_001458.5 (MANE Select); coding-DNA position 5545, C replaced by A.
Protein change: p.Pro1849Thr; replaces proline 1849 with threonine.
Molecular consequence: missense variant.
Genome position (GRCh38, 1-based): chr7:128,851,237, C>A. VCF-style: chr7-128851237-C-A. GRCh37 (hg19) VCF-style: chr7-128491291-C-A.
Other names: c.5446C>A, p.Pro1816Thr (NM_001127487.2); short protein forms P1816T, P1849T.
Identifiers: ClinVar variation 845211 (VCV000845211.10), dbSNP rs1808798354, ClinGen allele CA369207188.